The following is an entry in ClinVar:

NM_001110556.2(FLNA):c.122G>A (p.Trp41Ter)

Gene: FLNA (filamin A; minus strand). Cytogenetic location: Xq28.
Variant type: single nucleotide variant.
Coding change: c.122G>A on transcript NM_001110556.2 (MANE Select); coding-DNA position 122, G replaced by A.
Protein change: p.Trp41Ter; replaces tryptophan 41 with a stop codon.
Molecular consequence: nonsense.
Genome position (GRCh38, 1-based): chrX:154,371,124, C>T on the plus strand (G>A on the coding strand, the complement: FLNA is on the minus strand). VCF-style: chrX-154371124-C-T. GRCh37 (hg19) VCF-style: chrX-153599492-C-T.
Other names: c.122G>A (NM_001456.3); c.122G>A, p.Trp41Ter (NM_001456.4); short protein forms W41*.
Identifiers: ClinVar variation 2116809 (VCV002116809.7), dbSNP rs2522771792, ClinGen allele CA415255476.
Genomic context (GRCh38, chrX:154,371,124, plus strand): 5'-CTCACGCACTTCAGGTGCTCGTTGCACCAGCGCGTGAAAGTGTTCTGCTGGATCTTCTTC[C>T]ACGGCGCGTCCTCCGCCAGGTCCTTCTCGGTGGCCGGCATCTCGGCGTCCCGCGTGTCGA-3'

ClinVar aggregate classification (germline): Pathogenic/Likely pathogenic. Review status: criteria provided, multiple submitters, no conflicts (2 of 4 stars). 2 submissions from 2 submitters: Pathogenic (1); Likely pathogenic (1). Last evaluated 2022-03-25.

Conditions:
Melnick-Needles syndrome (MNS). Also called: MELNICK-NEEDLES OSTEODYSPLASTY; OSTEODYSPLASTY OF MELNICK AND NEEDLES; Melnick-Needles Syndrome (FLNA-MNS). Identifiers: Orphanet 2484, MedGen C0025237, MONDO:0010650, OMIM 309350.
Heterotopia, periventricular, X-linked dominant (PVNH1). Also called: PERIVENTRICULAR NODULAR HETEROTOPIA 1; X-linked periventricular heterotopia; PERIVENTRICULAR NODULAR HETEROTOPIA 4; HETEROTOPIA, PERIVENTRICULAR, 1. Identifiers: Orphanet 2149, Orphanet 82004, MedGen C1848213, MONDO:0010233, OMIM 300049.
Frontometaphyseal dysplasia (FMD1). Identifiers: Orphanet 1826, MedGen C0265293, MONDO:0015942.
Oto-palato-digital syndrome, type II (OPD2). Also called: FACIOPALATOOSSEOUS SYNDROME; OPD II SYNDROME; Otopalatodigital Syndrome Type 2 (FLNA-OPD2); Otopalatodigital Syndrome, Type II. Identifiers: Orphanet 669, Orphanet 90652, MedGen C1844696, MONDO:0010571, OMIM 304120.

Submissions (2):

Labcorp Genetics (formerly Invitae), Labcorp
Classification: Pathogenic for Oto-palato-digital syndrome, type II; Heterotopia, periventricular, X-linked dominant; Frontometaphyseal dysplasia; Melnick-Needles syndrome. Last evaluated: 2022-03-25. Review status: criteria provided, single submitter. Criteria: Invitae Variant Classification Sherloc (09022015). Collection method: clinical testing. Allele origin: germline.
Comment: For these reasons, this variant has been classified as Pathogenic. This variant has not been reported in the literature in individuals affected with FLNA-related conditions. This variant is not present in population databases (gnomAD no frequency). This sequence change creates a premature translational stop signal (p.Trp41*) in the FLNA gene. It is expected to result in an absent or disrupted protein product. Loss-of-function variants in FLNA are known to be pathogenic (PMID: 16684786, 20730588, 26471271).

Revvity Omics, Revvity
Classification: Likely pathogenic. Last evaluated: 2021-12-03. Review status: criteria provided, single submitter. Criteria: ACMG Guidelines, 2015. Collection method: clinical testing. Allele origin: germline.

Literature cited by the submitters: PubMed 16684786 (cited by Labcorp Genetics (formerly Invitae), Labcorp); PubMed 20730588 (cited by Labcorp Genetics (formerly Invitae), Labcorp); PubMed 26471271 (cited by Labcorp Genetics (formerly Invitae), Labcorp).